The following is an entry in ClinVar:

NM_006618.5(KDM5B):c.3295T>C (p.Leu1099=)

Gene: KDM5B (lysine demethylase 5B; minus strand). Cytogenetic location: 1q32.1.
Variant type: single nucleotide variant.
Coding change: c.3295T>C on transcript NM_006618.5 (MANE Select); coding-DNA position 3295, T replaced by C.
Protein change: p.Leu1099=; no amino-acid change (leucine 1099 retained).
Molecular consequence: synonymous variant.
Genome position (GRCh38, 1-based): chr1:202,735,557, A>G on the plus strand (T>C on the coding strand, the complement: KDM5B is on the minus strand). VCF-style: chr1-202735557-A-G. GRCh37 (hg19) VCF-style: chr1-202704685-A-G.
Other names: c.3403T>C, p.Leu1135= (NM_001314042.2); c.3160T>C, p.Leu1054= (NM_001347591.2); c.3280T>C, p.Leu1094= (NM_001399817.1).
Identifiers: ClinVar variation 4874973 (VCV004874973.2).
Genomic context (GRCh38, chr1:202,735,557, plus strand): 5'-TTTTTTTCTTTCCATTTGGCAAGGGCTCCTTTAACTTTCTCTGCTTCCTTTTCAATCCCA[A>G]AAGGCCAATATCACATCGAGGACACAGCACCTAATGTGGGACAAGGCACAACCAATGGTA-3'
Protein context (NP_006609.3, residues 1089-1109): VLCPRCDIGL[Leu1099=]GLKRKQRKLK

ClinVar aggregate classification (germline): Likely benign (1 of 4 stars; one submission).

gnomAD v4.1: 10 of 1,613,950 alleles (0.00062%); highest among the groups gnomAD compares: Admixed American, 0.017%; no homozygotes.

Submission:

CeGaT Center for Human Genetics Tuebingen
Classification: Likely benign. Last evaluated: 2026-05-01. Review status: criteria provided, single submitter. Criteria: CeGaT Center For Human Genetics Tuebingen Variant Classification Criteria Version 2. Collection method: clinical testing. Allele origin: germline. Affected: yes. Observed: 1 variant allele.
Comment: KDM5B: BP4, BP7